The following is an entry in ClinVar:

NM_152381.6(XIRP2):c.6281C>G (p.Thr2094Arg)

Gene: XIRP2 (xin actin binding repeat containing 2; plus strand). Cytogenetic location: 2q24.3.
Variant type: single nucleotide variant.
Coding change: c.6281C>G on transcript NM_152381.6 (MANE Select); coding-DNA position 6281, C replaced by G.
Protein change: p.Thr2094Arg; replaces threonine 2094 with arginine.
Molecular consequence: missense variant. On other transcripts: intron variant (3).
Genome position (GRCh38, 1-based): chr2:167,247,673, C>G. VCF-style: chr2-167247673-C-G. GRCh37 (hg19) VCF-style: chr2-168104183-C-G.
Other names: c.5615C>G, p.Thr1872Arg (NM_001199144.2); c.1275+5763C>G (NM_001199143.2); c.1176+5763C>G (NM_001079810.4); c.510+5763C>G (NM_001199145.2); c.6281C>G (NM_152381.5); short protein forms T1872R, T2094R.
Identifiers: ClinVar variation 786732 (VCV000786732.7), dbSNP rs151053139, ClinGen allele CA1947378.

ClinVar aggregate classification (germline): Benign. Review status: criteria provided, multiple submitters, no conflicts (2 of 4 stars). 3 submissions from 3 submitters: Benign (2). 1 of the submissions does not count toward it. Last evaluated 2019-12-31.

Conditions:
XIRP2-related disorder. Also called: XIRP2-related condition.

Allele frequency attached by ClinVar (database versions not stated): 1000 Genomes Project 0.00140; gnomAD 0.00498 and 0.00519; gnomAD exomes 0.00512 and 0.00601; TOPMed 0.00346; ESP Exome Variant Server 0.00503; 1000 Genomes Project 30x 0.00109; ExAC 0.00540.
gnomAD v4.1: 9,391 of 1,613,586 alleles (0.58%); highest among the groups gnomAD compares: Non-Finnish European, 0.66%; 40 homozygotes.

Submissions (3):

Labcorp Genetics (formerly Invitae), Labcorp
Classification: Benign. Last evaluated: 2019-12-31. Review status: criteria provided, single submitter. Criteria: Invitae Variant Classification Sherloc (09022015). Collection method: clinical testing. Allele origin: germline.

Breakthrough Genomics
Classification: Benign. Review status: criteria provided, single submitter. Criteria: ACMG Guidelines, 2015. Collection method: not provided. Allele origin: germline. Inheritance: Unknown mechanism. Affected: yes.

PreventionGenetics, part of Exact Sciences
Classification: Benign for XIRP2-related condition. Last evaluated: 2019-02-21. Review status: no assertion criteria provided. Collection method: clinical testing. Allele origin: germline. Not counted in ClinVar's aggregate classification.
Comment: This variant is classified as benign based on ACMG/AMP sequence variant interpretation guidelines (Richards et al. 2015 PMID: 25741868, with internal and published modifications).